The following is an entry in ClinVar:

NM_001734.5(C1S):c.1054C>A (p.Leu352Met)

Gene: C1S (complement C1s; plus strand). Cytogenetic location: 12p13.31.
Variant type: single nucleotide variant.
Coding change: c.1054C>A on transcript NM_001734.5 (MANE Select); coding-DNA position 1054, C replaced by A.
Protein change: p.Leu352Met; replaces leucine 352 with methionine.
Molecular consequence: missense variant.
Genome position (GRCh38, 1-based): chr12:7,067,105, C>A. VCF-style: chr12-7067105-C-A. GRCh37 (hg19) VCF-style: chr12-7174409-C-A.
Other names: c.553C>A, p.Leu185Met (NM_001346850.2); c.1054C>A, p.Leu352Met (NM_201442.4); short protein forms L185M, L352M.
Identifiers: ClinVar variation 3768032 (VCV003768032.1).

ClinVar aggregate classification (germline): Uncertain significance (1 of 4 stars; one submission).

Submission:

Women's Health and Genetics/Laboratory Corporation of America, LabCorp
Classification: Uncertain significance. Last evaluated: 2024-12-16. Review status: criteria provided, single submitter. Criteria: LabCorp Variant Classification Summary - May 2015. Collection method: clinical testing. Allele origin: germline.
Comment: Variant summary: C1S c.1054C>A (p.Leu352Met) results in a conservative amino acid change in the encoded protein sequence. Five of five in-silico tools predict a benign effect of the variant on protein function. The variant was absent in 251436 control chromosomes. The available data on variant occurrences in the general population are insufficient to allow any conclusion about variant significance. To our knowledge, no occurrence of c.1054C>A in individuals affected with Complement component C1s deficiency and no experimental evidence demonstrating its impact on protein function have been reported. No submitters have cited clinical-significance assessments for this variant to ClinVar. Based on the evidence outlined above, the variant was classified as uncertain significance.